The following is an entry in ClinVar:

ClinVar aggregate classification (germline): Benign (1 of 4 stars; one submission).

Conditions:
Progressive external ophthalmoplegia with mitochondrial DNA deletions, autosomal dominant 2. Also called: PROGRESSIVE EXTERNAL OPHTHALMOPLEGIA, AUTOSOMAL DOMINANT 2. Identifiers: MedGen C1836460, MONDO:0012238, OMIM 609283.

Allele frequency attached by ClinVar (database versions not stated): gnomAD exomes 0.00035; 1000 Genomes Project 30x 0.00593; 1000 Genomes Project 0.00599; TOPMed 0.00640.
gnomAD v4.1: 821 of 167,260 alleles (0.49%); highest among the groups gnomAD compares: African/African-American, 1.8%; 6 homozygotes.

Submission:

Illumina Laboratory Services, Illumina
Classification: Benign for Progressive external ophthalmoplegia with mitochondrial DNA deletions, autosomal dominant 2. Last evaluated: 2018-01-13. Review status: criteria provided, single submitter. Criteria: ICSL Variant Classification Criteria 13 December 2019. Collection method: clinical testing. Allele origin: germline.
Comment: This variant was observed in the ICSL laboratory as part of a predisposition screen in an ostensibly healthy population. It had not been previously curated by ICSL or reported in the Human Gene Mutation Database (HGMD: prior to June 1st, 2018), and was therefore a candidate for classification through an automated scoring system. Utilizing variant allele frequency, disease prevalence and penetrance estimates, and inheritance mode, an automated score was calculated to assess if this variant is too frequent to cause the disease. Based on the score and internal cut-off values, a variant classified as benign is not then subjected to further curation. The score for this variant resulted in a classification of benign for this disease.

NM_001151.4(SLC25A4):c.*481G>T

Gene: SLC25A4 (solute carrier family 25 member 4; plus strand). Cytogenetic location: 4q35.1.
Variant type: single nucleotide variant.
Coding change: c.*481G>T on transcript NM_001151.4 (MANE Select); 481 bases downstream of the stop codon, G replaced by T.
Molecular consequence: 3 prime UTR variant.
Genome position (GRCh38, 1-based): chr4:185,147,452, G>T. VCF-style: chr4-185147452-G-T. GRCh37 (hg19) VCF-style: chr4-186068606-G-T.
Identifiers: ClinVar variation 348253 (VCV000348253.5), dbSNP rs78882199, ClinGen allele CA10620552.
Genomic context (GRCh38, chr4:185,147,452, plus strand): 5'-TATATTGAGAATGTATTATATGAGAACGTACAATGCTTAAAGTTCCGGTTTTCAAACTTA[G>T]GCAGGTCATATTCTATCTATCTTATCCAGCATTACTGTAGGCTAGAAAGTGATAATGGCT-3'